The following is an entry in ClinVar:

NM_005996.4(TBX3):c.1670C>G (p.Thr557Ser)

Gene: TBX3 (T-box transcription factor 3; minus strand). Cytogenetic location: 12q24.21.
Variant type: single nucleotide variant.
Coding change: c.1670C>G on transcript NM_005996.4 (MANE Select); coding-DNA position 1670, C replaced by G.
Protein change: p.Thr557Ser; replaces threonine 557 with serine.
Molecular consequence: missense variant.
Genome position (GRCh38, 1-based): chr12:114,674,205, G>C on the plus strand (C>G on the coding strand, the complement: TBX3 is on the minus strand). VCF-style: chr12-114674205-G-C. GRCh37 (hg19) VCF-style: chr12-115112010-G-C.
Other names: c.1730C>G, p.Thr577Ser (NM_016569.4); c.1730C>G (NM_016569.3); short protein forms T557S, T577S.
Identifiers: ClinVar variation 2643356 (VCV002643356.25), dbSNP rs1229095604, ClinGen allele CA386868471.

ClinVar aggregate classification (germline): Uncertain significance. Review status: criteria provided, multiple submitters, no conflicts (2 of 4 stars). 2 submissions from 2 submitters: Uncertain significance (2). Last evaluated 2025-03-02.

Conditions:
TBX3-related disorder. Also called: TBX3-related condition.

Allele frequency attached by ClinVar (database versions not stated): gnomAD exomes below 0.00001.
gnomAD v4.1: 1 of 1,582,210 alleles (0.000063%); highest among the groups gnomAD compares: Non-Finnish European, 0.000086%; no homozygotes.

Submissions (2):

PreventionGenetics, part of Exact Sciences
Classification: Uncertain significance for TBX3-related condition. Last evaluated: 2025-03-02. Review status: criteria provided, single submitter. Criteria: ACMG Guidelines, 2015. Collection method: clinical testing. Allele origin: germline.
Comment: The TBX3 c.1730C>G variant is predicted to result in the amino acid substitution p.Thr577Ser. To our knowledge, this variant has not been reported in the literature or in a large population database (gnomAD), indicating this variant is rare. At this time, the clinical significance of this variant is uncertain due to the absence of conclusive functional and genetic evidence.

CeGaT Center for Human Genetics Tuebingen
Classification: Uncertain significance. Last evaluated: 2022-06-01. Review status: criteria provided, single submitter. Criteria: CeGaT Center For Human Genetics Tuebingen Variant Classification Criteria Version 2. Collection method: clinical testing. Allele origin: germline. Affected: yes. Observed: 1 variant allele.
Comment: TBX3: PM2